The following is an entry in ClinVar:

NM_015335.5(MED13L):c.5248A>G (p.Met1750Val)

Gene: MED13L (mediator complex subunit 13L; minus strand). Cytogenetic location: 12q24.21.
Variant type: single nucleotide variant.
Coding change: c.5248A>G on transcript NM_015335.5 (MANE Select); coding-DNA position 5248, A replaced by G.
Protein change: p.Met1750Val; replaces methionine 1750 with valine.
Molecular consequence: missense variant.
Genome position (GRCh38, 1-based): chr12:115,980,866, T>C on the plus strand (A>G on the coding strand, the complement: MED13L is on the minus strand). VCF-style: chr12-115980866-T-C. GRCh37 (hg19) VCF-style: chr12-116418671-T-C.
Other names: short protein forms M1750V.
Identifiers: ClinVar variation 4802137 (VCV004802137.1).

ClinVar aggregate classification (germline): Uncertain significance (1 of 4 stars; one submission).

Conditions:
Dextro-looped transposition of the great arteries. Also called: Dextrotransposition of the great arteries. Identifiers: Orphanet 860, MedGen C3531771, MONDO:0019443, OMIM 608808, HP:0031348.

Submission:

Labcorp Genetics (formerly Invitae), Labcorp
Classification: Uncertain significance for Dextro-looped transposition of the great arteries. Last evaluated: 2025-06-03. Review status: criteria provided, single submitter. Criteria: Invitae Variant Classification Sherloc (09022015). Collection method: clinical testing. Allele origin: germline.
Comment: This sequence change replaces methionine, which is neutral and non-polar, with valine, which is neutral and non-polar, at codon 1750 of the MED13L protein (p.Met1750Val). This variant is not present in population databases (gnomAD no frequency). This variant has not been reported in the literature in individuals affected with MED13L-related conditions. Invitae Evidence Modeling of protein sequence and biophysical properties (such as structural, functional, and spatial information, amino acid conservation, physicochemical variation, residue mobility, and thermodynamic stability) indicates that this missense variant is not expected to disrupt MED13L protein function with a negative predictive value of 80%. In summary, the available evidence is currently insufficient to determine the role of this variant in disease. Therefore, it has been classified as a Variant of Uncertain Significance.